The following is an entry in ClinVar:

ClinVar aggregate classification (germline): Pathogenic. Review status: criteria provided, multiple submitters, no conflicts (2 of 4 stars). 3 submissions from 3 submitters: Pathogenic (2). 1 of the submissions does not count toward it. Last evaluated 2024-08-03.

Conditions:
Retinal dystrophy. Also called: Inherited retinal dystrophy. Identifiers: Orphanet 71862, MedGen C0854723, MeSH D058499, MONDO:0019118, HP:0000556.
Atrophia bulborum hereditaria (ND). Also called: Norrie Disease; Norrie Disease (Classic Norrie Disease Ocular Phenotype with or without Extraocular Findings; EPISKOPI BLINDNESS; Pseudoglioma; Norrie syndrome; Norrie-Warburg syndrome. Identifiers: Orphanet 649, MedGen C0266526, MONDO:0010691, OMIM 310600, HP:6000262.

Submissions (3):

Labcorp Genetics (formerly Invitae), Labcorp
Classification: Pathogenic. Last evaluated: 2024-08-03. Review status: criteria provided, single submitter. Criteria: Invitae Variant Classification Sherloc (09022015). Collection method: clinical testing. Allele origin: germline.
Comment: This sequence change replaces leucine, which is neutral and non-polar, with phenylalanine, which is neutral and non-polar, at codon 61 of the NDP protein (p.Leu61Phe). This variant is not present in population databases (gnomAD no frequency). This missense change has been observed in individual(s) with NDP-related conditions and/or Norrie disease (PMID: 1307245, 9143918, 36729443). In at least one individual the variant was observed to be de novo. ClinVar contains an entry for this variant (Variation ID: 10690). Advanced modeling of protein sequence and biophysical properties (such as structural, functional, and spatial information, amino acid conservation, physicochemical variation, residue mobility, and thermodynamic stability) has been performed at Invitae for this missense variant, however the output from this modeling did not meet the statistical confidence thresholds required to predict the impact of this variant on NDP protein function. This variant disrupts the p.Leu61 amino acid residue in NDP. Other variant(s) that disrupt this residue have been observed in individuals with NDP-related conditions (PMID: 7627181, 9143918, 17296899), which suggests that this may be a clinically significant amino acid residue. For these reasons, this variant has been classified as Pathogenic.

Institute of Human Genetics, Univ. Regensburg, Univ. Regensburg
Classification: Pathogenic for Retinal dystrophy. Last evaluated: 2013-01-01. Review status: criteria provided, single submitter. Criteria: ACMG Guidelines, 2015. Collection method: clinical testing. Allele origin: germline. Affected: yes.

OMIM
Classification: Pathogenic for NORRIE DISEASE. Last evaluated: 1997-01-01. Review status: no assertion criteria provided. Collection method: literature only. Allele origin: germline. Not counted in ClinVar's aggregate classification.

Literature cited by the submitters: PubMed 1307245 (cited by Labcorp Genetics (formerly Invitae), Labcorp and Institute of Human Genetics, Univ. Regensburg, Univ. Regensburg); PubMed 9143918 (cited by 3 submitters); PubMed 36729443 (cited by Labcorp Genetics (formerly Invitae), Labcorp); PubMed 7627181 (cited by Labcorp Genetics (formerly Invitae), Labcorp); PubMed 17296899 (cited by Labcorp Genetics (formerly Invitae), Labcorp).

NM_000266.4(NDP):c.181C>T (p.Leu61Phe)

Genes: NDP (norrin cystine knot growth factor NDP; minus strand), NDP-AS1 (NDP antisense RNA 1; plus strand). Cytogenetic location: Xp11.3.
Variant type: single nucleotide variant.
Coding change: c.181C>T on transcript NM_000266.4 (MANE Select); coding-DNA position 181, C replaced by T.
Protein change: p.Leu61Phe; replaces leucine 61 with phenylalanine.
Molecular consequence: missense variant. On other transcripts: non-coding transcript variant (1).
Genome position (GRCh38, 1-based): chrX:43,950,020, G>A on the plus strand (C>T on the coding strand, the complement: NDP is on the minus strand). VCF-style: chrX-43950020-G-A. GRCh37 (hg19) VCF-style: chrX-43809266-G-A.
Other names: short protein forms L61F.
Identifiers: ClinVar variation 10690 (VCV000010690.5), dbSNP rs104894880, ClinGen allele CA255479.
Genomic context (GRCh38, chrX:43,950,020, plus strand): 5'-ACGACACCAAAGGCTCGGAGCGTGACGCCTGGCTGCAGTGCCCCTCGCACCTGGCCAGGA[G>A]CACCATCTGGGGAAAGAAAAGGAGGTGGTTACTCTGTGGGCATGCCACAACCTTAGCCAG-3'
Protein context (NP_000257.1, residues 51-71): PLYKCSSKMV[Leu61Phe]LARCEGHCSQ